The following is an entry in ClinVar:

NM_000784.4(CYP27A1):c.255G>A (p.Gln85=)

Gene: CYP27A1 (cytochrome P450 family 27 subfamily A member 1; plus strand). Cytogenetic location: 2q35.
Variant type: single nucleotide variant.
Coding change: c.255G>A on transcript NM_000784.4 (MANE Select); coding-DNA position 255, G replaced by A.
Protein change: p.Gln85=; no amino-acid change (glutamine 85 retained).
Molecular consequence: synonymous variant.
Genome position (GRCh38, 1-based): chr2:218,782,437, G>A. VCF-style: chr2-218782437-G-A. GRCh37 (hg19) VCF-style: chr2-219647160-G-A.
Other names: c.255G>A (NM_000784.3).
Identifiers: ClinVar variation 2148747 (VCV002148747.6), dbSNP rs374941032, ClinGen allele CA2112540.

ClinVar aggregate classification (germline): Conflicting classifications of pathogenicity. Review status: criteria provided, conflicting classifications (1 of 4 stars). 4 submissions from 4 submitters: Likely pathogenic (1); Uncertain significance (3). Last evaluated 2026-01-30.

Conditions:
Cholestanol storage disease (CTX). Also called: CEREBRAL CHOLESTERINOSIS; CTX: Cerebrotendinous xanthomatosis; Cerebrotendinous Xanthomatosis. Identifiers: Orphanet 909, MedGen C0238052, MONDO:0008948, OMIM 213700.
CYP27A1-related disorder. Also called: CYP27A1-related condition.

Allele frequency attached by ClinVar (database versions not stated): gnomAD exomes 0.00001; ExAC 0.00002; gnomAD 0.00003; TOPMed 0.00003; ESP Exome Variant Server 0.00008.
gnomAD v4.1: 12 of 1,614,088 alleles (0.00074%); highest among the groups gnomAD compares: African/African-American, 0.0067%; no homozygotes.

Submissions (5):

PreventionGenetics, part of Exact Sciences
Classification: Uncertain significance for CYP27A1-related condition. Last evaluated: 2026-01-30. Review status: criteria provided, single submitter. Criteria: ACMG Guidelines, 2015. Collection method: clinical testing. Allele origin: germline.
Comment: The CYP27A1 c.255G>A variant is not predicted to result in an amino acid change (p.=). This variant is predicted to alter splicing based on available splicing prediction programs (SpliceAI, Jaganathan et al. 2019. PubMed ID: 30661751). However, the use of computer prediction programs is not equivalent to functional evidence. This variant has been reported, along with a nonsense CYP27A1 variant, in an individual with cerebrotendinous xanthomatosis (Freedman et al. 2019. PubMed ID: 31536098). This variant is reported in 0.0062% of alleles in individuals of African descent in gnomAD. At this time, the clinical significance of this variant is uncertain due to the absence of conclusive functional and genetic evidence.

Labcorp Genetics (formerly Invitae), Labcorp
Classification: Uncertain significance for Cholestanol storage disease. Last evaluated: 2024-12-12. Review status: criteria provided, single submitter. Criteria: Invitae Variant Classification Sherloc (09022015). Collection method: clinical testing. Allele origin: germline.
Comment: This sequence change affects codon 85 of the CYP27A1 mRNA. It is a 'silent' change, meaning that it does not change the encoded amino acid sequence of the CYP27A1 protein. This variant also falls at the last nucleotide of exon 1, which is part of the consensus splice site for this exon. This variant is present in population databases (rs374941032, gnomAD 0.008%). This variant has not been reported in the literature in individuals affected with CYP27A1-related conditions. ClinVar contains an entry for this variant (Variation ID: 2148747). Variants that disrupt the consensus splice site are a relatively common cause of aberrant splicing (PMID: 17576681, 9536098). Algorithms developed to predict the effect of sequence changes on RNA splicing suggest that this variant may disrupt the consensus splice site. In summary, the available evidence is currently insufficient to determine the role of this variant in disease. Therefore, it has been classified as a Variant of Uncertain Significance.

Fulgent Genetics
Classification: Likely pathogenic for Cholestanol storage disease. Last evaluated: 2024-05-07. Review status: criteria provided, single submitter. Criteria: ACMG Guidelines, 2015. Collection method: clinical testing. Allele origin: germline.

Blueprint Genetics
Classification: Uncertain significance. Last evaluated: 2022-04-19. Review status: criteria provided, single submitter. Criteria: ACMG Guidelines, 2015. Collection method: clinical testing. Allele origin: germline.

Dr. Peter K. Rogan Lab, Western University
No classification provided (evidence only). Condition: Sarcoma. Review status: no classification provided. Collection method: in vitro. Allele origin: not applicable. Functional consequence: retained intron. Not counted in ClinVar's aggregate classification.

Literature cited by the submitters: PubMed 17576681 (cited by Labcorp Genetics (formerly Invitae), Labcorp); PubMed 9536098 (cited by Labcorp Genetics (formerly Invitae), Labcorp).